The following is an entry in ClinVar:

ClinVar aggregate classification (germline): Uncertain significance (0 of 4 stars; one submission).

Conditions:
NPC1-related disorder. Also called: NPC1-related condition.

Submission:

PreventionGenetics, part of Exact Sciences
Classification: Uncertain significance for NPC1-related condition. Last evaluated: 2024-06-12. Review status: no assertion criteria provided. Collection method: clinical testing. Allele origin: germline.
Comment: The NPC1 c.634T>G variant is predicted to result in the amino acid substitution p.Phe212Val. To our knowledge, this variant has not been reported in the literature or in a large population database, indicating this variant is rare. At this time, the clinical significance of this variant is uncertain due to the absence of conclusive functional and genetic evidence.

NM_000271.5(NPC1):c.634T>G (p.Phe212Val)

Gene: NPC1 (NPC intracellular cholesterol transporter 1; minus strand). Cytogenetic location: 18q11.2.
Variant type: single nucleotide variant.
Coding change: c.634T>G on transcript NM_000271.5 (MANE Select); coding-DNA position 634, T replaced by G.
Protein change: p.Phe212Val; replaces phenylalanine 212 with valine.
Molecular consequence: missense variant.
Genome position (GRCh38, 1-based): chr18:23,560,478, A>C on the plus strand (T>G on the coding strand, the complement: NPC1 is on the minus strand). VCF-style: chr18-23560478-A-C. GRCh37 (hg19) VCF-style: chr18-21140442-A-C.
Other names: short protein forms F212V.
Identifiers: ClinVar variation 3345437 (VCV003345437.1).